The following is an entry in ClinVar:

NM_004064.5(CDKN1B):c.332G>A (p.Gly111Glu)

Gene: CDKN1B (cyclin dependent kinase inhibitor 1B; plus strand). Cytogenetic location: 12p13.1.
Variant type: single nucleotide variant.
Coding change: c.332G>A on transcript NM_004064.5 (MANE Select); coding-DNA position 332, G replaced by A.
Protein change: p.Gly111Glu; replaces glycine 111 with glutamic acid.
Molecular consequence: missense variant.
Genome position (GRCh38, 1-based): chr12:12,718,171, G>A. VCF-style: chr12-12718171-G-A. GRCh37 (hg19) VCF-style: chr12-12871105-G-A.
Other names: short protein forms G111E.
Identifiers: ClinVar variation 641242 (VCV000641242.15), dbSNP rs751007940, ClinGen allele CA6457464.
Genomic context (GRCh38, chr12:12,718,171, plus strand): 5'-CCCCGCGGCCCCCCAAAGGTGCCTGCAAGGTGCCGGCGCAGGAGAGCCAGGATGTCAGCG[G>A]GAGCCGCCCGGCGGCGCCTTTAATTGGGGCTCCGGCTAACTCTGAGGACACGCATTTGGT-3'
Protein context (NP_004055.1, residues 101-121): VPAQESQDVS[Gly111Glu]SRPAAPLIGA

ClinVar aggregate classification (germline): Conflicting classifications of pathogenicity. Review status: criteria provided, conflicting classifications (1 of 4 stars). 3 submissions from 3 submitters: Uncertain significance (2); Benign (1). Last evaluated 2025-12-18.

Conditions:
Hereditary cancer-predisposing syndrome. Also called: Neoplastic Syndromes, Hereditary; Hereditary neoplastic syndrome; Tumor predisposition; Hereditary Cancer Syndrome. Identifiers: Orphanet 140162, MedGen C0027672, MeSH D009386, MONDO:0015356.
Multiple endocrine neoplasia type 4. Also called: MULTIPLE ENDOCRINE NEOPLASIA, TYPE IV. Identifiers: Orphanet 276152, MedGen C1970712, MONDO:0012552, OMIM 610755.

Allele frequency attached by ClinVar (database versions not stated): gnomAD 0.00001 and 0.00002; gnomAD exomes 0.00001; ExAC 0.00002; TOPMed 0.00002.
gnomAD v4.1: 4 of 1,613,218 alleles (0.00025%); highest among the groups gnomAD compares: African/African-American, 0.004%; no homozygotes.

Submissions (3):

Ambry Genetics
Classification: Benign for Hereditary cancer-predisposing syndrome. Last evaluated: 2025-12-18. Review status: criteria provided, single submitter. Criteria: Ambry Variant Classification Scheme 2023. Collection method: clinical testing. Allele origin: germline.

Labcorp Genetics (formerly Invitae), Labcorp
Classification: Uncertain significance for Multiple endocrine neoplasia type 4. Last evaluated: 2025-07-25. Review status: criteria provided, single submitter. Criteria: Invitae Variant Classification Sherloc (09022015). Collection method: clinical testing. Allele origin: germline.
Comment: This sequence change replaces glycine, which is neutral and non-polar, with glutamic acid, which is acidic and polar, at codon 111 of the CDKN1B protein (p.Gly111Glu). This variant is present in population databases (rs751007940, gnomAD 0.01%). This variant has not been reported in the literature in individuals affected with CDKN1B-related conditions. ClinVar contains an entry for this variant (Variation ID: 641242). An algorithm developed to predict the effect of missense changes on protein structure and function (PolyPhen-2) suggests that this variant is likely to be tolerated. In summary, the available evidence is currently insufficient to determine the role of this variant in disease. Therefore, it has been classified as a Variant of Uncertain Significance.

Baylor Genetics
Classification: Uncertain significance for Multiple endocrine neoplasia type 4. Last evaluated: 2024-03-24. Review status: criteria provided, single submitter. Criteria: ACMG Guidelines, 2015. Collection method: clinical testing. Allele origin: unknown.